The following is an entry in ClinVar:

ClinVar aggregate classification (germline): Pathogenic (1 of 4 stars; one submission).

Conditions:
Hereditary cancer-predisposing syndrome. Also called: Hereditary Cancer Syndrome; Hereditary neoplastic syndrome; Neoplastic Syndromes, Hereditary; Tumor predisposition. Identifiers: Orphanet 140162, MedGen C0027672, MeSH D009386, MONDO:0015356.

Submission:

Ambry Genetics
Classification: Pathogenic for Hereditary cancer-predisposing syndrome. Last evaluated: 2021-03-05. Review status: criteria provided, single submitter. Criteria: Ambry Variant Classification Scheme 2023. Collection method: clinical testing. Allele origin: germline.
Comment: The c.1526delT pathogenic mutation, located in coding exon 4 of the MSH6 gene, results from a deletion of one nucleotide at nucleotide position 1526, causing a translational frameshift with a predicted alternate stop codon (p.V509Gfs*62). This alteration is expected to result in loss of function by premature protein truncation or nonsense-mediated mRNA decay. As such, this alteration is interpreted as a disease-causing mutation.

NM_000179.3(MSH6):c.1526del (p.Val509fs)

Gene: MSH6 (mutS homolog 6; plus strand). Cytogenetic location: 2p16.3.
Variant type: Deletion.
Coding change: c.1526del on transcript NM_000179.3 (MANE Select); coding-DNA position 1526, one base deleted (T; older notation c.1526delT).
Protein change: p.Val509fs; shifts the reading frame from valine 509.
Molecular consequence: frameshift variant.
Genome position (GRCh38, 1-based): chr2:47,799,509, T deleted. VCF-style (leftmost placement, unchanged base first): chr2-47799508-GT-G. GRCh37 (hg19) VCF-style: chr2-48026647-GT-G.
Other names: c.1136del, p.Val379fs (NM_001281492.2); c.620del, p.Val207fs (NM_001281493.2, NM_001281494.2); c.1622delT, p.Val541Glyfs (NM_001406795.1, NM_001406802.1); c.1526delT, p.Val509Glyfs (NM_001406796.1, NM_001406798.1, NM_001406800.1 and 4 more transcripts); c.1229delT, p.Val410Glyfs (NM_001406797.1, NM_001406801.1, NM_001406805.1 and 10 more transcripts); c.1001delT, p.Val334Glyfs (NM_001406799.1, NM_001406806.1, NM_001406807.1); c.1448delT, p.Val483Glyfs (NM_001406804.1); c.620delT, p.Val207Glyfs (NM_001406811.1, NM_001406812.1, NM_001406814.1 and 4 more transcripts); and 2 more; short protein forms V509fs, V379fs, V207fs.
Identifiers: ClinVar variation 1774526 (VCV001774526.2), dbSNP rs2530614320, ClinGen allele CA2580067636.